The following is an entry in ClinVar:

NM_001848.3(COL6A1):c.518A>T (p.Glu173Val)

Gene: COL6A1 (collagen type VI alpha 1 chain; plus strand). Cytogenetic location: 21q22.3.
Variant type: single nucleotide variant.
Coding change: c.518A>T on transcript NM_001848.3 (MANE Select); coding-DNA position 518, A replaced by T.
Protein change: p.Glu173Val; replaces glutamic acid 173 with valine.
Molecular consequence: missense variant.
Genome position (GRCh38, 1-based): chr21:45,986,615, A>T. VCF-style: chr21-45986615-A-T. GRCh37 (hg19) VCF-style: chr21-47406529-A-T.
Other names: c.518A>T (NM_001848.2); short protein forms E173V.
Identifiers: ClinVar variation 1005149 (VCV001005149.9), dbSNP rs1385535913, ClinGen allele CA410518066.
Genomic context (GRCh38, chr21:45,986,615, plus strand): 5'-TGATTGTGGTGACCGACGGGCACCCCCTGGAGGGCTACAAGGAACCCTGTGGGGGGCTGG[A>T]GGATGCTGTGAACGAGGCCAAGCACCTGGGCGTCAAAGTCTTCTCGGTGGCCATCACACC-3'
Protein context (NP_001839.2, residues 163-183): EGYKEPCGGL[Glu173Val]DAVNEAKHLG

ClinVar aggregate classification (germline): Uncertain significance. Review status: criteria provided, multiple submitters, no conflicts (2 of 4 stars). 2 submissions from 2 submitters: Uncertain significance (2). Last evaluated 2025-05-19.

Conditions:
Bethlem myopathy 1A. Also called: Bethlem Muscular Dystrophy; MYOPATHY, BENIGN CONGENITAL, WITH CONTRACTURES; Bethlem myopathy 1. Identifiers: Orphanet 610, MedGen CN029274, MONDO:0024530, OMIM 158810.

Allele frequency attached by ClinVar (database versions not stated): TOPMed 0.00003.

Submissions (2):

Labcorp Genetics (formerly Invitae), Labcorp
Classification: Uncertain significance for Bethlem myopathy 1A. Last evaluated: 2025-05-19. Review status: criteria provided, single submitter. Criteria: Invitae Variant Classification Sherloc (09022015). Collection method: clinical testing. Allele origin: germline.
Comment: This sequence change replaces glutamic acid, which is acidic and polar, with valine, which is neutral and non-polar, at codon 173 of the COL6A1 protein (p.Glu173Val). This variant is not present in population databases (gnomAD no frequency). This variant has not been reported in the literature in individuals affected with COL6A1-related conditions. ClinVar contains an entry for this variant (Variation ID: 1005149). Invitae Evidence Modeling of protein sequence and biophysical properties (such as structural, functional, and spatial information, amino acid conservation, physicochemical variation, residue mobility, and thermodynamic stability) indicates that this missense variant is not expected to disrupt COL6A1 protein function with a negative predictive value of 95%. In summary, the available evidence is currently insufficient to determine the role of this variant in disease. Therefore, it has been classified as a Variant of Uncertain Significance.

Revvity Omics, Revvity
Classification: Uncertain significance. Last evaluated: 2019-12-24. Review status: criteria provided, single submitter. Criteria: ACMG Guidelines, 2015. Collection method: clinical testing. Allele origin: germline.